The following is an entry in ClinVar:

ClinVar aggregate classification (germline): Benign. Review status: criteria provided, multiple submitters, no conflicts (2 of 4 stars). 21 submissions from 17 submitters: Benign (17). 4 of the submissions do not count toward it. Last evaluated 2026-02-04.

Conditions:
Malignant hyperthermia, susceptibility to, 1 (MHS1). Also called: Malignant hyperthermia suceptibility 1; Anesthesia related hyperthermia; Malignant hyperpyrexia; Fulminating hyperpyrexia; Pharmacogenic myopathy; RYR1-Related Malignant Hyperthermia Susceptibility. Identifiers: Orphanet 423, MedGen C2930980, MONDO:0007783, OMIM 145600.
Central core myopathy (CMYO1A). Also called: CONGENITAL MYOPATHY 1A, AUTOSOMAL DOMINANT, WITH SUSCEPTIBILITY TO MALIGNANT HYPERTHERMIA; Central core disease; Myopathy, central fibrillar. Identifiers: Orphanet 597, MedGen C5830701, MONDO:0007294, OMIM 117000.
Congenital multicore myopathy with external ophthalmoplegia (CMYO1B). Also called: MULTIMINICORE DISEASE WITH EXTERNAL OPHTHALMOPLEGIA; MULTICORE MYOPATHY; Minicore myopathy with external ophthalmoplegia; Congenital myopathy 1B, autosomal recessive; Minicore myopathy. Identifiers: Orphanet 598, Orphanet 98905, MedGen C1850674, MONDO:0009712, OMIM 255320, HP:0003789.
King Denborough syndrome (KDS). Identifiers: MedGen C1840365, MONDO:0020485, OMIM 619542.
Congenital myopathy with fiber type disproportion. Also called: Congenital fiber-type disproportion myopathy; Congenital fiber-type disproportion. Identifiers: Orphanet 2020, MedGen C0546264, MONDO:0009711. Inheritance: all.
RYR1-related disorder. Also called: RYR1-related condition; RYR1-related disorders. Identifiers: MedGen CN239331.

Allele frequency attached by ClinVar (database versions not stated): 1000 Genomes Project 0.54553; 1000 Genomes Project 30x 0.54731; gnomAD exomes 0.59352 and 0.60060; ExAC 0.59619; gnomAD 0.59689 and 0.60233; ESP Exome Variant Server 0.59709; TOPMed 0.60774.
gnomAD v4.1: 969,041 of 1,612,930 alleles (60%); highest among the groups gnomAD compares: Admixed American, 68%; 293,575 homozygotes.

Submissions (21):

Labcorp Genetics (formerly Invitae), Labcorp
Classification: Benign for RYR1-related disorder. Last evaluated: 2026-02-04. Review status: criteria provided, single submitter. Criteria: Invitae Variant Classification Sherloc (09022015). Collection method: clinical testing. Allele origin: germline.

Blueprint Genetics
Classification: Benign. Last evaluated: 2024-11-28. Review status: criteria provided, single submitter. Criteria: ACMG Guidelines, 2015. Collection method: clinical testing. Allele origin: germline.

Genome-Nilou Lab
Classification: Benign for Central core myopathy. Last evaluated: 2021-11-07. Review status: criteria provided, single submitter. Criteria: ACMG Guidelines, 2015. Collection method: clinical testing. Allele origin: germline. Affected: no.

Genome-Nilou Lab
Classification: Benign for King Denborough syndrome. Last evaluated: 2021-11-07. Review status: criteria provided, single submitter. Criteria: ACMG Guidelines, 2015. Collection method: clinical testing. Allele origin: germline. Affected: no.

Genome-Nilou Lab
Classification: Benign for Congenital multicore myopathy with external ophthalmoplegia. Last evaluated: 2021-11-07. Review status: criteria provided, single submitter. Criteria: ACMG Guidelines, 2015. Collection method: clinical testing. Allele origin: germline. Affected: no.

Fulgent Genetics
Classification: Benign for Central core myopathy; Malignant hyperthermia, susceptibility to, 1; Congenital myopathy 4A, autosomal dominant; Congenital multicore myopathy with external ophthalmoplegia; King Denborough syndrome. Last evaluated: 2021-08-11. Review status: criteria provided, single submitter. Criteria: ACMG Guidelines, 2015. Collection method: clinical testing. Allele origin: unknown.

Color Diagnostics, LLC DBA Color Health
Classification: Benign for Malignant hyperthermia, susceptibility to, 1. Last evaluated: 2019-03-29. Review status: criteria provided, single submitter. Criteria: ACMG Guidelines, 2015. Collection method: clinical testing. Allele origin: germline.

PreventionGenetics, part of Exact Sciences
Classification: Benign. Last evaluated: 2018-04-03. Review status: criteria provided, single submitter. Criteria: ACMG Guidelines, 2015. Collection method: clinical testing. Allele origin: germline.

Illumina Laboratory Services, Illumina
Classification: Benign for Congenital multicore myopathy with external ophthalmoplegia. Last evaluated: 2018-01-12. Review status: criteria provided, single submitter. Criteria: ICSL Variant Classification Criteria 13 December 2019. Collection method: clinical testing. Allele origin: germline.
Comment: This variant was observed in the ICSL laboratory as part of a predisposition screen in an ostensibly healthy population. It had not been previously curated by ICSL or reported in the Human Gene Mutation Database (HGMD: prior to June 1st, 2018), and was therefore a candidate for classification through an automated scoring system. Utilizing variant allele frequency, disease prevalence and penetrance estimates, and inheritance mode, an automated score was calculated to assess if this variant is too frequent to cause the disease. Based on the score and internal cut-off values, a variant classified as benign is not then subjected to further curation. The score for this variant resulted in a classification of benign for this disease.

Illumina Laboratory Services, Illumina
Classification: Benign for Malignant hyperthermia, susceptibility to, 1. Last evaluated: 2018-01-12. Review status: criteria provided, single submitter. Criteria: ICSL Variant Classification Criteria 13 December 2019. Collection method: clinical testing. Allele origin: germline.
Comment: the same text as in the submission from Illumina Laboratory Services, Illumina above.

Illumina Laboratory Services, Illumina
Classification: Benign for Central core myopathy. Last evaluated: 2018-01-12. Review status: criteria provided, single submitter. Criteria: ICSL Variant Classification Criteria 13 December 2019. Collection method: clinical testing. Allele origin: germline.
Comment: the same text as in the submission from Illumina Laboratory Services, Illumina above.

Mayo Clinic Laboratories, Mayo Clinic
Classification: Benign. Last evaluated: 2017-07-19. Review status: criteria provided, single submitter. Criteria: ACMG Guidelines, 2015. Collection method: clinical testing. Allele origin: germline. Observed: 690 variant alleles.

GeneDx
Classification: Benign. Last evaluated: 2016-01-25. Review status: criteria provided, single submitter. Criteria: GeneDx Variant Classification (06012015). Collection method: clinical testing. Allele origin: germline. Affected: yes.
Comment: This variant is considered likely benign or benign based on one or more of the following criteria: it is a conservative change, it occurs at a poorly conserved position in the protein, it is predicted to be benign by multiple in silico algorithms, and/or has population frequency not consistent with disease.

Laboratory for Molecular Medicine, Mass General Brigham Personalized Medicine
Classification: Benign. Last evaluated: 2015-01-13. Review status: criteria provided, single submitter. Criteria: LMM Criteria. Collection method: clinical testing. Allele origin: germline. Observed: 14 variant alleles.
Comment: p.Thr981Thr in exon 24 of RYR1: This variant is not expected to have clinical si gnificance because it does not alter an amino acid residue and is not located wi thin the splice consensus sequence. It has been identified in 44.0% (1938/4400) of African American chromosomes from a broad population by the NHLBI Exome Seque ncing Project (dbSNP rs2228069).

Eurofins Ntd Llc (ga)
Classification: Benign. Last evaluated: 2014-07-14. Review status: criteria provided, single submitter. Criteria: EGL Classification Definitions 2015. Collection method: clinical testing. Allele origin: germline. Observed: 43 variant alleles, 26 heterozygotes, 17 homozygotes.

Genetic Services Laboratory, University of Chicago
Classification: Benign. Last evaluated: 2013-08-15. Review status: criteria provided, single submitter. Criteria: ACMG Guidelines, 2007. Collection method: clinical testing. Allele origin: germline. Inheritance: Autosomal unknown.

Breakthrough Genomics
Classification: Benign. Review status: criteria provided, single submitter. Criteria: ACMG Guidelines, 2015. Collection method: not provided. Allele origin: germline. Inheritance: Autosomal recessive inheritance. Affected: yes.

Clinical Genetics, Academic Medical Center
Classification: Benign. Review status: no assertion criteria provided. Collection method: clinical testing. Allele origin: germline. Affected: yes. Study: VKGL Data-share Consensus. Not counted in ClinVar's aggregate classification.

Diagnostic Laboratory, Department of Genetics, University Medical Center Groningen
Classification: Benign. Review status: no assertion criteria provided. Collection method: clinical testing. Allele origin: germline. Affected: yes. Study: VKGL Data-share Consensus. Not counted in ClinVar's aggregate classification.

Joint Genome Diagnostic Labs from Nijmegen and Maastricht, Radboudumc and MUMC+
Classification: Benign. Review status: no assertion criteria provided. Collection method: clinical testing. Allele origin: germline. Affected: yes. Study: VKGL Data-share Consensus. Not counted in ClinVar's aggregate classification.

RYR1 database
No classification provided. Review status: no classification provided. Collection method: not provided. Allele origin: unknown. Not counted in ClinVar's aggregate classification.

NM_000540.3(RYR1):c.2943G>A (p.Thr981=)

Gene: RYR1 (ryanodine receptor 1; plus strand). Cytogenetic location: 19q13.2.
Variant type: single nucleotide variant.
Coding change: c.2943G>A on transcript NM_000540.3 (MANE Select); coding-DNA position 2943, G replaced by A.
Protein change: p.Thr981=; no amino-acid change (threonine 981 retained).
Molecular consequence: synonymous variant.
Genome position (GRCh38, 1-based): chr19:38,466,163, G>A. VCF-style: chr19-38466163-G-A. GRCh37 (hg19) VCF-style: chr19-38956803-G-A.
Other names: p.Thr981=; c.2943G>A, p.Thr981= (NM_001042723.2).
Identifiers: ClinVar variation 93261 (VCV000093261.39), dbSNP rs2228069, ClinGen allele CA024374.